The following is an entry in ClinVar:

NM_000836.4(GRIN2D):c.3709C>T (p.Arg1237Trp)

Gene: GRIN2D (glutamate ionotropic receptor NMDA type subunit 2D; plus strand). Cytogenetic location: 19q13.33.
Variant type: single nucleotide variant.
Coding change: c.3709C>T on transcript NM_000836.4 (MANE Select); coding-DNA position 3709, C replaced by T.
Protein change: p.Arg1237Trp; replaces arginine 1237 with tryptophan.
Molecular consequence: missense variant.
Genome position (GRCh38, 1-based): chr19:48,443,635, C>T. VCF-style: chr19-48443635-C-T. GRCh37 (hg19) VCF-style: chr19-48946892-C-T.
Other names: c.3709C>T (NM_000836.2); short protein forms R1237W.
Identifiers: ClinVar variation 2775662 (VCV002775662.4), dbSNP rs1971337796, ClinGen allele CA406677702.

ClinVar aggregate classification (germline): Uncertain significance. Review status: criteria provided, multiple submitters, no conflicts (2 of 4 stars). 2 submissions from 2 submitters: Uncertain significance (2). Last evaluated 2025-05-06.

Conditions:
Inborn genetic diseases. Identifiers: MedGen C0950123, MeSH D030342.

gnomAD v4.1: 1 of 1,081,982 alleles (0.000092%); no homozygotes.

Submissions (2):

Ambry Genetics
Classification: Uncertain significance for Inborn genetic diseases. Last evaluated: 2025-05-06. Review status: criteria provided, single submitter. Criteria: Ambry Variant Classification Scheme 2023. Collection method: clinical testing. Allele origin: germline.

Labcorp Genetics (formerly Invitae), Labcorp
Classification: Uncertain significance. Last evaluated: 2024-09-09. Review status: criteria provided, single submitter. Criteria: Invitae Variant Classification Sherloc (09022015). Collection method: clinical testing. Allele origin: germline.
Comment: This sequence change replaces arginine, which is basic and polar, with tryptophan, which is neutral and slightly polar, at codon 1237 of the GRIN2D protein (p.Arg1237Trp). The frequency data for this variant in the population databases is considered unreliable, as metrics indicate insufficient coverage at this position in the gnomAD database. This variant has not been reported in the literature in individuals affected with GRIN2D-related conditions. Invitae Evidence Modeling of protein sequence and biophysical properties (such as structural, functional, and spatial information, amino acid conservation, physicochemical variation, residue mobility, and thermodynamic stability) indicates that this missense variant is not expected to disrupt GRIN2D protein function with a negative predictive value of 95%. In summary, the available evidence is currently insufficient to determine the role of this variant in disease. Therefore, it has been classified as a Variant of Uncertain Significance.